The following is an entry in ClinVar:

NM_014140.4(SMARCAL1):c.1414G>A (p.Ala472Thr)

Gene: SMARCAL1 (SNF2 related chromatin remodeling annealing helicase 1; plus strand). Cytogenetic location: 2q35.
Variant type: single nucleotide variant.
Coding change: c.1414G>A on transcript NM_014140.4 (MANE Select); coding-DNA position 1414, G replaced by A.
Protein change: p.Ala472Thr; replaces alanine 472 with threonine.
Molecular consequence: missense variant.
Genome position (GRCh38, 1-based): chr2:216,432,797, G>A. VCF-style: chr2-216432797-G-A. GRCh37 (hg19) VCF-style: chr2-217297520-G-A.
Other names: c.1414G>A, p.Ala472Thr (NM_001127207.2); short protein forms A472T.
Identifiers: ClinVar variation 334299 (VCV000334299.20), dbSNP rs571392819, ClinGen allele CA2097873.

ClinVar aggregate classification (germline): Conflicting classifications of pathogenicity. Review status: criteria provided, conflicting classifications (1 of 4 stars). 5 submissions from 5 submitters: Uncertain significance (2); Likely benign (1). 2 of the submissions do not count toward it. Last evaluated 2026-01-21.

Conditions:
SMARCAL1-related disorder. Also called: SMARCAL1-related condition.
Schimke immuno-osseous dysplasia (SIOD). Also called: Schimke Immunoosseous Dysplasia. Identifiers: Orphanet 1830, MedGen C0877024, MONDO:0009458, OMIM 242900.

Allele frequency attached by ClinVar (database versions not stated): gnomAD 0.00003 and 0.00009; TOPMed 0.00004; gnomAD exomes 0.00014 and 0.00029; ExAC 0.00031; 1000 Genomes Project 30x 0.00047; 1000 Genomes Project 0.00060.

Submissions (5):

Labcorp Genetics (formerly Invitae), Labcorp
Classification: Likely benign for Schimke immuno-osseous dysplasia. Last evaluated: 2026-01-21. Review status: criteria provided, single submitter. Criteria: Invitae Variant Classification Sherloc (09022015). Collection method: clinical testing. Allele origin: germline.

Fulgent Genetics
Classification: Uncertain significance for Schimke immuno-osseous dysplasia. Last evaluated: 2024-04-29. Review status: criteria provided, single submitter. Criteria: ACMG Guidelines, 2015. Collection method: clinical testing. Allele origin: germline.

Illumina Laboratory Services, Illumina
Classification: Uncertain significance for Schimke immuno-osseous dysplasia. Last evaluated: 2018-01-12. Review status: criteria provided, single submitter. Criteria: ICSL Variant Classification Criteria 13 December 2019. Collection method: clinical testing. Allele origin: germline.

PreventionGenetics, part of Exact Sciences
Classification: Likely benign for SMARCAL1-related condition. Last evaluated: 2022-10-07. Review status: no assertion criteria provided. Collection method: clinical testing. Allele origin: germline. Not counted in ClinVar's aggregate classification.
Comment: This variant is classified as likely benign based on ACMG/AMP sequence variant interpretation guidelines (Richards et al. 2015 PMID: 25741868, with internal and published modifications).

Natera, Inc.
Classification: Uncertain significance for Schimke immuno-osseous dysplasia. Last evaluated: 2020-01-24. Review status: no assertion criteria provided. Collection method: clinical testing. Allele origin: germline. Not counted in ClinVar's aggregate classification.